The following is an entry in ClinVar:

ClinVar aggregate classification (germline): Uncertain significance (1 of 4 stars; one submission).

Submission:

GeneDx
Classification: Uncertain significance. Last evaluated: 2023-01-24. Review status: criteria provided, single submitter. Criteria: GeneDx Variant Classification Process June 2021. Collection method: clinical testing. Allele origin: germline. Affected: yes.
Comment: Not observed at significant frequency in large population cohorts (gnomAD); Nonsense variant predicted to result in protein truncation or nonsense mediated decay in a gene or region of a gene for which loss of function is not a well-established mechanism of disease; Has not been previously published as pathogenic or benign to our knowledge

NM_152296.5(ATP1A3):c.29C>A (p.Ser10Ter)

Gene: ATP1A3 (ATPase Na+/K+ transporting subunit alpha 3; minus strand). Cytogenetic location: 19q13.2.
Variant type: single nucleotide variant.
Coding change: c.29C>A on transcript NM_152296.5 (MANE Select); coding-DNA position 29, C replaced by A.
Protein change: p.Ser10Ter; replaces serine 10 with a stop codon.
Molecular consequence: nonsense.
Genome position (GRCh38, 1-based): chr19:41,988,540, G>T on the plus strand (C>A on the coding strand, the complement: ATP1A3 is on the minus strand). VCF-style: chr19-41988540-G-T. GRCh37 (hg19) VCF-style: chr19-42492692-G-T.
Other names: c.62C>A, p.Ser21Ter (NM_001256213.2); c.68C>A, p.Ser23Ter (NM_001256214.2); short protein forms S10*, S21*, S23*.
Identifiers: ClinVar variation 2573806 (VCV002573806.1), dbSNP rs2514086772, ClinGen allele CA406057952.
Genomic context (GRCh38, chr19:41,988,540, plus strand): 5'-GCCACCTCCTTCTTGAGGTCATCCAGGTCCCGGCGCTCCTTGCCCTTGTTCTTCTTGGGT[G>T]AGTCCTTGTCATCTTTCTTGTCCTGCGAGGTGGCGATACGATAGCTGTCAGAGCCACCAG-3'